The following is an entry in ClinVar:

NM_001372044.2(SHANK3):c.475C>T (p.Pro159Ser)

Gene: SHANK3 (SH3 and multiple ankyrin repeat domains 3; plus strand). Cytogenetic location: 22q13.33.
Variant type: single nucleotide variant.
Coding change: c.475C>T on transcript NM_001372044.2 (MANE Select); coding-DNA position 475, C replaced by T.
Protein change: p.Pro159Ser; replaces proline 159 with serine.
Molecular consequence: missense variant.
Genome position (GRCh38, 1-based): chr22:50,675,234, C>T. VCF-style: chr22-50675234-C-T. GRCh37 (hg19) VCF-style: chr22-51113662-C-T.
Other names: c.250C>T, p.Pro84Ser (NM_033517.1); short protein forms P159S, P84S.
Identifiers: ClinVar variation 2630764 (VCV002630764.1), dbSNP rs758377741, ClinGen allele CA10325156.

ClinVar aggregate classification (germline): Uncertain significance (1 of 4 stars; one submission).

Conditions:
SHANK3-related disorder. Also called: SHANK3-related condition.

Allele frequency attached by ClinVar (database versions not stated): gnomAD exomes below 0.00001; TOPMed below 0.00001; gnomAD 0.00001; ExAC 0.00007.

Submission:

PreventionGenetics, part of Exact Sciences
Classification: Uncertain significance for SHANK3-related condition. Last evaluated: 2023-09-26. Review status: criteria provided, single submitter. Criteria: ACMG Guidelines, 2015. Collection method: clinical testing. Allele origin: germline.
Comment: The SHANK3 c.250C>T variant is predicted to result in the amino acid substitution p.Pro84Ser. To our knowledge, this variant has not been reported in the literature. This variant is reported in 0.0044% of alleles in individuals of South Asian descent in gnomAD. At this time, the clinical significance of this variant is uncertain due to the absence of conclusive functional and genetic evidence.